The following is an entry in ClinVar:

NM_006206.6(PDGFRA):c.1114G>A (p.Glu372Lys)

Gene: PDGFRA (platelet derived growth factor receptor alpha; plus strand). Cytogenetic location: 4q12.
Variant type: single nucleotide variant.
Coding change: c.1114G>A on transcript NM_006206.6 (MANE Select); coding-DNA position 1114, G replaced by A.
Protein change: p.Glu372Lys; replaces glutamic acid 372 with lysine.
Molecular consequence: missense variant.
Genome position (GRCh38, 1-based): chr4:54,267,734, G>A. VCF-style: chr4-54267734-G-A. GRCh37 (hg19) VCF-style: chr4-55133901-G-A.
Other names: c.1114G>A, p.Glu372Lys (NM_001347827.2, NM_001347829.2); c.1189G>A, p.Glu397Lys (NM_001347828.2); c.1153G>A, p.Glu385Lys (NM_001347830.2); short protein forms E372K, E385K, E397K.
Identifiers: ClinVar variation 1463333 (VCV001463333.8), dbSNP rs2110267665, ClinGen allele CA356891830.

ClinVar aggregate classification (germline): Uncertain significance (1 of 4 stars; one submission).

Conditions:
Gastrointestinal stromal tumor. Also called: Gastrointestinal stroma tumor; Gastrointestinal stromal tumor, somatic. Identifiers: Orphanet 44890, MedGen C0238198, MeSH D046152, MONDO:0011719, OMIM 606764, HP:0100723.

Submission:

Labcorp Genetics (formerly Invitae), Labcorp
Classification: Uncertain significance for Gastrointestinal stromal tumor. Last evaluated: 2022-07-19. Review status: criteria provided, single submitter. Criteria: Invitae Variant Classification Sherloc (09022015). Collection method: clinical testing. Allele origin: germline.
Comment: This sequence change replaces glutamic acid, which is acidic and polar, with lysine, which is basic and polar, at codon 372 of the PDGFRA protein (p.Glu372Lys). In summary, the available evidence is currently insufficient to determine the role of this variant in disease. Therefore, it has been classified as a Variant of Uncertain Significance. Algorithms developed to predict the effect of missense changes on protein structure and function are either unavailable or do not agree on the potential impact of this missense change (SIFT: "Tolerated"; PolyPhen-2: "Probably Damaging"; Align-GVGD: "Class C0"). ClinVar contains an entry for this variant (Variation ID: 1463333). This variant has not been reported in the literature in individuals affected with PDGFRA-related conditions. This variant is not present in population databases (gnomAD no frequency).